The following is an entry in ClinVar:

NM_024301.5(FKRP):c.1261T>C (p.Tyr421His)

Gene: FKRP (fukutin related protein; plus strand). Cytogenetic location: 19q13.32.
Variant type: single nucleotide variant.
Coding change: c.1261T>C on transcript NM_024301.5 (MANE Select); coding-DNA position 1261, T replaced by C.
Protein change: p.Tyr421His; replaces tyrosine 421 with histidine.
Molecular consequence: missense variant.
Genome position (GRCh38, 1-based): chr19:46,756,711, T>C. VCF-style: chr19-46756711-T-C. GRCh37 (hg19) VCF-style: chr19-47259968-T-C.
Other names: c.1261T>C, p.Tyr421His (NM_001039885.3); c.1261T>C (NM_024301.4); short protein forms Y421H.
Identifiers: ClinVar variation 1423663 (VCV001423663.6), dbSNP rs1425956543, ClinGen allele CA406496998.

ClinVar aggregate classification (germline): Uncertain significance. Review status: criteria provided, multiple submitters, no conflicts (2 of 4 stars). 2 submissions from 2 submitters: Uncertain significance (2). Last evaluated 2024-11-17.

Conditions:
Cardiovascular phenotype. Identifiers: MedGen CN230736.
Walker-Warburg congenital muscular dystrophy. Also called: Muscular dystrophy-dystroglycanopathy, type A; Walker-Warburg syndrome. Identifiers: Orphanet 899, MedGen C0265221, MONDO:0000171.

Allele frequency attached by ClinVar (database versions not stated): TOPMed below 0.00001; gnomAD 0.00001.
gnomAD v4.1: 1 of 1,611,954 alleles (0.000062%); highest among the groups gnomAD compares: African/African-American, 0.0013%; no homozygotes.

Submissions (2):

Ambry Genetics
Classification: Uncertain significance for Cardiovascular phenotype. Last evaluated: 2024-11-17. Review status: criteria provided, single submitter. Criteria: Ambry Variant Classification Scheme 2023. Collection method: clinical testing. Allele origin: germline.
Comment: The p.Y421H variant (also known as c.1261T>C), located in coding exon 1 of the FKRP gene, results from a T to C substitution at nucleotide position 1261. The tyrosine at codon 421 is replaced by histidine, an amino acid with similar properties. This amino acid position is conserved. In addition, this alteration is predicted to be deleterious by in silico analysis. Based on the available evidence, the clinical significance of this variant remains unclear.

Labcorp Genetics (formerly Invitae), Labcorp
Classification: Uncertain significance for Walker-Warburg congenital muscular dystrophy. Last evaluated: 2024-10-17. Review status: criteria provided, single submitter. Criteria: Invitae Variant Classification Sherloc (09022015). Collection method: clinical testing. Allele origin: germline.
Comment: This sequence change replaces tyrosine, which is neutral and polar, with histidine, which is basic and polar, at codon 421 of the FKRP protein (p.Tyr421His). This variant is present in population databases (no rsID available, gnomAD 0.01%). This variant has not been reported in the literature in individuals affected with FKRP-related conditions. ClinVar contains an entry for this variant (Variation ID: 1423663). Invitae Evidence Modeling of protein sequence and biophysical properties (such as structural, functional, and spatial information, amino acid conservation, physicochemical variation, residue mobility, and thermodynamic stability) has been performed for this missense variant. However, the output from this modeling did not meet the statistical confidence thresholds required to predict the impact of this variant on FKRP protein function. In summary, the available evidence is currently insufficient to determine the role of this variant in disease. Therefore, it has been classified as a Variant of Uncertain Significance.